The following is an entry in ClinVar:

NM_004444.5(EPHB4):c.1374G>A (p.Arg458=)

Gene: EPHB4 (EPH receptor B4; minus strand). Cytogenetic location: 7q22.1.
Variant type: single nucleotide variant.
Coding change: c.1374G>A on transcript NM_004444.5 (MANE Select); coding-DNA position 1374, G replaced by A.
Protein change: p.Arg458=; no amino-acid change (arginine 458 retained).
Molecular consequence: synonymous variant.
Genome position (GRCh38, 1-based): chr7:100,818,568, C>T on the plus strand (G>A on the coding strand, the complement: EPHB4 is on the minus strand). VCF-style: chr7-100818568-C-T. GRCh37 (hg19) VCF-style: chr7-100416190-C-T.
Other names: p.Arg458=.
Identifiers: ClinVar variation 3509399 (VCV003509399.2).

ClinVar aggregate classification (germline): Likely benign. Review status: criteria provided, multiple submitters, no conflicts (2 of 4 stars). 2 submissions from 2 submitters: Likely benign (2). Last evaluated 2025-04-18.

Conditions:
Cardiovascular phenotype. Identifiers: MedGen CN230736.

gnomAD v4.1: 1 of 1,613,950 alleles (0.000062%); highest among the groups gnomAD compares: Non-Finnish European, 0.000085%; no homozygotes.

Submissions (2):

Mayo Clinic Laboratories, Mayo Clinic
Classification: Likely benign. Last evaluated: 2025-04-18. Review status: criteria provided, single submitter. Criteria: ACMG Guidelines, 2015. Collection method: clinical testing. Allele origin: germline. Observed: 1 variant allele.
Comment: BP4, BP7, PM2_supporting

Ambry Genetics
Classification: Likely benign for Cardiovascular phenotype. Last evaluated: 2024-10-21. Review status: criteria provided, single submitter. Criteria: Ambry Variant Classification Scheme 2023. Collection method: clinical testing. Allele origin: germline.